The following is an entry in ClinVar:

NM_000089.4(COL1A2):c.2122C>T (p.Arg708Trp)

Gene: COL1A2 (collagen type I alpha 2 chain; plus strand). Cytogenetic location: 7q21.3.
Variant type: single nucleotide variant.
Coding change: c.2122C>T on transcript NM_000089.4 (MANE Select); coding-DNA position 2122, C replaced by T.
Protein change: p.Arg708Trp; replaces arginine 708 with tryptophan.
Molecular consequence: missense variant.
Genome position (GRCh38, 1-based): chr7:94,420,275, C>T. VCF-style: chr7-94420275-C-T. GRCh37 (hg19) VCF-style: chr7-94049587-C-T.
Other names: short protein forms R708W.
Identifiers: ClinVar variation 439505 (VCV000439505.11), dbSNP rs139199272, ClinGen allele CA4347317.
Genomic context (GRCh38, chr7:94,420,275, plus strand): 5'-TCTTTGGTCCCATTATAGGGCGAAGCTGGGGCTGCTGGTCCTGCTGGTCCTGCTGGTCCT[C>T]GGGGAAGCCCTGTAAGTAAGAACCTGGGTCATTTTGTATACTCACACCTCACAATGTTTA-3'
Protein context (NP_000080.2, residues 698-718): AAGPAGPAGP[Arg708Trp]GSPGERGEVG

ClinVar aggregate classification (germline): Uncertain significance. Review status: criteria provided, multiple submitters, no conflicts (2 of 4 stars). 2 submissions from 2 submitters: Uncertain significance (2). Last evaluated 2024-10-20.

Conditions:
Ehlers-Danlos syndrome, classic type, 1 (EDSCL1). Also called: EHLERS-DANLOS SYNDROME, GRAVIS TYPE; EHLERS-DANLOS SYNDROME, SEVERE CLASSIC TYPE; EDS I; Ehlers-Danlos Syndrome, Classic Type, COL5A1-Related; Ehlers-Danlos syndrome, type 1. Identifiers: MedGen C0268335, MONDO:0019567, OMIM 130000.
Osteogenesis imperfecta type I (OI1). Also called: OI, TYPE I; OSTEOGENESIS IMPERFECTA TARDA; OSTEOGENESIS IMPERFECTA WITH BLUE SCLERAE; Classic Non-deforming Osteogenesis Imperfecta with Blue Sclerae; Lobstein disease; Osteogenesis imperfecta type 1. Identifiers: Orphanet 216796, Orphanet 666, MedGen C0023931, MONDO:0008146, OMIM 166200. Disease mechanism: loss of function.

Allele frequency attached by ClinVar (database versions not stated): TOPMed 0.00001; ESP Exome Variant Server 0.00008; gnomAD exomes 0.00001; ExAC 0.00002.

Submissions (2):

Labcorp Genetics (formerly Invitae), Labcorp
Classification: Uncertain significance for Osteogenesis imperfecta type I; Ehlers-Danlos syndrome, classic type, 1. Last evaluated: 2024-10-20. Review status: criteria provided, single submitter. Criteria: Invitae Variant Classification Sherloc (09022015). Collection method: clinical testing. Allele origin: germline.
Comment: This sequence change replaces arginine, which is basic and polar, with tryptophan, which is neutral and slightly polar, at codon 708 of the COL1A2 protein (p.Arg708Trp). This variant is present in population databases (rs139199272, gnomAD 0.006%). This missense change has been observed in individual(s) with clinical features of autosomal dominant Ehlers-Danlos syndrome (PMID: 31322791). ClinVar contains an entry for this variant (Variation ID: 439505). Invitae Evidence Modeling of protein sequence and biophysical properties (such as structural, functional, and spatial information, amino acid conservation, physicochemical variation, residue mobility, and thermodynamic stability) indicates that this missense variant is expected to disrupt COL1A2 protein function with a positive predictive value of 95%. In summary, the available evidence is currently insufficient to determine the role of this variant in disease. Therefore, it has been classified as a Variant of Uncertain Significance.

ARUP Laboratories, Molecular Genetics and Genomics, ARUP Laboratories
Classification: Uncertain significance. Last evaluated: 2017-04-28. Review status: criteria provided, single submitter. Criteria: ARUP Molecular Germline Variant Investigation Process. Collection method: clinical testing. Allele origin: germline.

Literature cited by the submitters: PubMed 31322791 (cited by Labcorp Genetics (formerly Invitae), Labcorp).